The following is an entry in ClinVar:

NM_000352.6(ABCC8):c.1024G>T (p.Gly342Trp)

Gene: ABCC8 (ATP binding cassette subfamily C member 8; minus strand). Cytogenetic location: 11p15.1.
Variant type: single nucleotide variant.
Coding change: c.1024G>T on transcript NM_000352.6 (MANE Select); coding-DNA position 1024, G replaced by T.
Protein change: p.Gly342Trp; replaces glycine 342 with tryptophan.
Molecular consequence: missense variant. On other transcripts: non-coding transcript variant (1).
Genome position (GRCh38, 1-based): chr11:17,453,271, C>A on the plus strand (G>T on the coding strand, the complement: ABCC8 is on the minus strand). VCF-style: chr11-17453271-C-A. GRCh37 (hg19) VCF-style: chr11-17474818-C-A.
Other names: c.1024G>T, p.Gly342Trp (NM_001287174.3, NM_001351295.2); c.1021G>T, p.Gly341Trp (NM_001351296.2, NM_001351297.2); short protein forms G342W, G341W.
Identifiers: ClinVar variation 523360 (VCV000523360.5), dbSNP rs763028380, ClinGen allele CA379771442.

ClinVar aggregate classification (germline): Conflicting classifications of pathogenicity. Review status: criteria provided, conflicting classifications (1 of 4 stars). 4 submissions from 3 submitters: Likely pathogenic (1); Uncertain significance (3). Last evaluated 2026-02-10.

Conditions:
Transitory neonatal diabetes mellitus. Also called: Transient neonatal diabetes mellitus. Identifiers: MedGen C0342273, MONDO:0020525, HP:0008255.
Hyperinsulinemic hypoglycemia, familial, 1 (HHF1). Also called: Persistent hyperinsulinemic hypoglycemia of infancy; HYPERINSULINISM, FAMILIAL, WITH PANCREATIC NESIDIOBLASTOSIS; HYPOGLYCEMIA, HYPERINSULINEMIC, OF INFANCY; Persistent Hyperinsulinemia Hypoglycemia of Infancy; NESIDIOBLASTOSIS OF PANCREAS. Identifiers: Orphanet 276575, Orphanet 276598, MedGen C2931832, MONDO:0009734, OMIM 256450.
Maturity-onset diabetes of the young (MODY). Also called: Maturity onset diabetes mellitus in young. Identifiers: Orphanet 552, MedGen C0342276, MONDO:0018911, HP:0004904.
Polyhydramnios. Also called: Polyhydramnios (disease); Hydramnios. Identifiers: MedGen C0020224, MONDO:0004585, HP:0001561.
Generalized hypotonia. Identifiers: MedGen C1858120, HP:0001290.
Large fleshy ears. Identifiers: MedGen C3808403, HP:0002265.
Broad forehead. Identifiers: MedGen C1849089, HP:0000337.
Neonatal hypotonia. Identifiers: MedGen C2267233, HP:0001319.
Large for gestational age. Identifiers: MedGen C1848395, HP:0001520.
Long philtrum. Identifiers: MedGen C1865014, HP:0000343.
Triangular face. Identifiers: MedGen C1835884, HP:0000325.
Pointed chin. Identifiers: MedGen C1844505, HP:0000307.
Retrognathia. Also called: retrognathism. Identifiers: MedGen C0035353, HP:0000278.
Hypoglycemia. Identifiers: MedGen C0020615, MONDO:0004946, HP:0001943.
Bilateral cryptorchidism. Identifiers: MedGen C0431663, HP:0008689.

gnomAD v4.1: 1 of 1,613,900 alleles (0.000062%); highest among the groups gnomAD compares: Non-Finnish European, 0.000085%; no homozygotes.

Submissions (4):

Myriad Genetics, Inc.
Classification: Uncertain significance for Hyperinsulinemic hypoglycemia, familial, 1. Last evaluated: 2026-02-10. Review status: criteria provided, single submitter. Criteria: Myriad Autosomal Dominant, Autosomal Recessive and X-Linked Classification Criteria (2023). Collection method: clinical testing. Allele origin: unknown.
Comment: NM_000352.3(ABCC8):c.1024G>T(G342W) is a missense variant classified as a variant of uncertain significance in the context of familial hyperinsulinism, ABCC8-related. G342W has not been observed in cases with relevant disease. Relevant functional assessments of this variant are not available in the literature. G342W has not been observed in referenced population frequency databases. In summary, there is insufficient evidence to classify NM_000352.3(ABCC8):c.1024G>T(G342W) as pathogenic or benign. Please note: this variant was assessed in the context of healthy population screening.

Centre for Mendelian Genomics, University Medical Centre Ljubljana
Classification: Likely pathogenic for Bilateral cryptorchidism; Broad forehead; Generalized hypotonia; Hypoglycemia; Large fleshy ears; Large for gestational age; Long philtrum; Neonatal hypotonia; Pointed chin; Polyhydramnios; Retrognathia; Triangular face. Last evaluated: 2017-01-01. Review status: criteria provided, single submitter. Criteria: ACMG Guidelines, 2015. Collection method: clinical testing. Allele origin: unknown. Affected: yes.

Clinical Genomics, Uppaluri K&H Personalized Medicine Clinic
Classification: Uncertain significance for Maturity-onset diabetes of the young. Review status: criteria provided, single submitter. Criteria: K & H Uppaluri Personalized Medicine Clinic Variant Classification & Assertion Criteria_Updated V.1. Collection method: research. Allele origin: unknown. Inheritance: Somatic mutation.
Comment: Mutations in ABCC8 gene are associated with both neonatal diabetes mellitus as well as MODY. Patients with this mutation may have a better response to sulfonylureas. However, no sufficient evidence is found to ascertain the role of this particular variant ( rs763028380) in MODY yet.

Clinical Genomics, Uppaluri K&H Personalized Medicine Clinic
Classification: Uncertain significance for Transitory neonatal diabetes mellitus. Review status: criteria provided, single submitter. Criteria: K & H Uppaluri Personalized Medicine Clinic Variant Classification & Assertion Criteria_Updated V.1. Collection method: research. Allele origin: unknown.
Comment: Mutations in ABCC8 gene are associated with both neonatal diabetes mellitus as well as MODY. Patients with this mutation may have a better response to sulfonylureas. However, no sufficient evidence is found to ascertain the role of this particular variant ( rs763028380) in neonatal diabetes yet.

Literature cited by the submitters: PubMed 16885549 (cited by Clinical Genomics, Uppaluri K&H Personalized Medicine Clinic); PubMed 21989597 (cited by Clinical Genomics, Uppaluri K&H Personalized Medicine Clinic); PubMed 27538677 (cited by Clinical Genomics, Uppaluri K&H Personalized Medicine Clinic); PubMed 18981553 (cited by Clinical Genomics, Uppaluri K&H Personalized Medicine Clinic); PubMed 32027066 (cited by Clinical Genomics, Uppaluri K&H Personalized Medicine Clinic); PubMed 16613899 (cited by Clinical Genomics, Uppaluri K&H Personalized Medicine Clinic); PubMed 18025408 (cited by Clinical Genomics, Uppaluri K&H Personalized Medicine Clinic); PubMed 32792356 (cited by Clinical Genomics, Uppaluri K&H Personalized Medicine Clinic).